The following is an entry in ClinVar:

ClinVar aggregate classification (germline): Uncertain significance (1 of 4 stars; one submission).

Conditions:
Alpha thalassemia-X-linked intellectual disability syndrome (ATRX). Also called: ALPHA-THALASSEMIA/MENTAL RETARDATION SYNDROME, X-LINKED; ATR, NONDELETION TYPE; ATR-X syndrome; Alpha thalassemia mental retardation syndrome, nondeletion type, X-linked; XLMR hypotonic face syndrome; X-linked alpha-thalassemia-mental retardation syndrome. Identifiers: Orphanet 847, MedGen C1845055, MONDO:0010519, OMIM 301040.

gnomAD v4.1: 10 of 1,199,884 alleles (0.00083%); highest among the groups gnomAD compares: Non-Finnish European, 0.0011%; no homozygotes.

Submission:

Labcorp Genetics (formerly Invitae), Labcorp
Classification: Uncertain significance for Alpha thalassemia-X-linked intellectual disability syndrome. Last evaluated: 2026-01-27. Review status: criteria provided, single submitter. Criteria: Invitae Variant Classification Sherloc (09022015). Collection method: clinical testing. Allele origin: germline.
Comment: This sequence change replaces proline, which is neutral and non-polar, with arginine, which is basic and polar, at codon 995 of the ATRX protein (p.Pro995Arg). This variant is not present in population databases (gnomAD no frequency). This variant has not been reported in the literature in individuals affected with ATRX-related conditions. Invitae Evidence Modeling of protein sequence and biophysical properties (such as structural, functional, and spatial information, amino acid conservation, physicochemical variation, residue mobility, and thermodynamic stability) indicates that this missense variant is not expected to disrupt ATRX protein function with a negative predictive value of 95%. In summary, the available evidence is currently insufficient to determine the role of this variant in disease. Therefore, it has been classified as a Variant of Uncertain Significance.

NM_000489.6(ATRX):c.2984C>G (p.Pro995Arg)

Gene: ATRX (ATRX chromatin remodeler; minus strand). Cytogenetic location: Xq21.1.
Variant type: single nucleotide variant.
Coding change: c.2984C>G on transcript NM_000489.6 (MANE Select); coding-DNA position 2984, C replaced by G.
Protein change: p.Pro995Arg; replaces proline 995 with arginine.
Molecular consequence: missense variant.
Genome position (GRCh38, 1-based): chrX:77,682,272, G>C on the plus strand (C>G on the coding strand, the complement: ATRX is on the minus strand). VCF-style: chrX-77682272-G-C. GRCh37 (hg19) VCF-style: chrX-76937764-G-C.
Other names: c.2870C>G, p.Pro957Arg (NM_138270.5); short protein forms P957R, P995R.
Identifiers: ClinVar variation 4738787 (VCV004738787.1).